The following is an entry in ClinVar:

NM_005430.4(WNT1):c.661C>T (p.His221Tyr)

Gene: WNT1 (Wnt family member 1; plus strand). Cytogenetic location: 12q13.12.
Variant type: single nucleotide variant.
Coding change: c.661C>T on transcript NM_005430.4 (MANE Select); coding-DNA position 661, C replaced by T.
Protein change: p.His221Tyr; replaces histidine 221 with tyrosine.
Molecular consequence: missense variant.
Genome position (GRCh38, 1-based): chr12:48,981,188, C>T. VCF-style: chr12-48981188-C-T. GRCh37 (hg19) VCF-style: chr12-49374971-C-T.
Other names: short protein forms H221Y.
Identifiers: ClinVar variation 1310806 (VCV001310806.8), dbSNP rs761545257, ClinGen allele CA6544452.

ClinVar aggregate classification (germline): Uncertain significance. Review status: criteria provided, multiple submitters, no conflicts (2 of 4 stars). 3 submissions from 3 submitters: Uncertain significance (3). Last evaluated 2025-01-06.

Allele frequency attached by ClinVar (database versions not stated): gnomAD exomes 0.00001 and 0.00002; ExAC 0.00002; TOPMed 0.00002.
gnomAD v4.1: 15 of 1,612,434 alleles (0.00093%); highest among the groups gnomAD compares: Admixed American, 0.0017%; no homozygotes.

Submissions (3):

Women's Health and Genetics/Laboratory Corporation of America, LabCorp
Classification: Uncertain significance. Last evaluated: 2025-01-06. Review status: criteria provided, single submitter. Criteria: LabCorp Variant Classification Summary - May 2015. Collection method: clinical testing. Allele origin: germline.
Comment: Variant summary: WNT1 c.661C>T (p.His221Tyr) results in a conservative amino acid change in the encoded protein sequence. Four of five in-silico tools predict a damaging effect of the variant on protein function. The variant allele was found at a frequency of 1.6e-05 in 245630 control chromosomes. The available data on variant occurrences in the general population are insufficient to allow any conclusion about variant significance. c.661C>T has been reported in the literature in a heterozygous individual affected with early-onset osteoporosis (Peris_2023). These report(s) do not provide unequivocal conclusions about association of the variant with Osteogenesis Imperfecta. To our knowledge, no experimental evidence demonstrating an impact on protein function has been reported. The following publication has been ascertained in the context of this evaluation (PMID: 36396825). ClinVar contains an entry for this variant (Variation ID: 1310806). Based on the evidence outlined above, the variant was classified as uncertain significance.

Labcorp Genetics (formerly Invitae), Labcorp
Classification: Uncertain significance. Last evaluated: 2024-02-23. Review status: criteria provided, single submitter. Criteria: Invitae Variant Classification Sherloc (09022015). Collection method: clinical testing. Allele origin: germline.
Comment: This sequence change replaces histidine, which is basic and polar, with tyrosine, which is neutral and polar, at codon 221 of the WNT1 protein (p.His221Tyr). This variant is present in population databases (rs761545257, gnomAD 0.004%). This missense change has been observed in individual(s) with WNT1-related conditions (PMID: 36396825). ClinVar contains an entry for this variant (Variation ID: 1310806). Advanced modeling of protein sequence and biophysical properties (such as structural, functional, and spatial information, amino acid conservation, physicochemical variation, residue mobility, and thermodynamic stability) performed at Invitae indicates that this missense variant is expected to disrupt WNT1 protein function with a positive predictive value of 80%. In summary, the available evidence is currently insufficient to determine the role of this variant in disease. Therefore, it has been classified as a Variant of Uncertain Significance.

GeneDx
Classification: Uncertain significance. Last evaluated: 2019-12-03. Review status: criteria provided, single submitter. Criteria: GeneDx Variant Classification Process June 2021. Collection method: clinical testing. Allele origin: germline. Affected: yes.
Comment: Not observed at a significant frequency in large population cohorts (Lek et al., 2016); In silico analysis, which includes protein predictors and evolutionary conservation, supports a deleterious effect; Has not been previously published as pathogenic or benign to our knowledge

Literature cited by the submitters: PubMed 36396825 (cited by Women's Health and Genetics/Laboratory Corporation of America, LabCorp and Labcorp Genetics (formerly Invitae), Labcorp).